The following is an entry in ClinVar:

ClinVar aggregate classification (germline): Uncertain significance (1 of 4 stars; one submission).

gnomAD v4.1: 1 of 1,613,960 alleles (0.000062%); highest among the groups gnomAD compares: East Asian, 0.0022%; no homozygotes.

Submission:

CeGaT Center for Human Genetics Tuebingen
Classification: Uncertain significance. Last evaluated: 2026-03-01. Review status: criteria provided, single submitter. Criteria: CeGaT Center For Human Genetics Tuebingen Variant Classification Criteria Version 2. Collection method: clinical testing. Allele origin: germline. Affected: yes. Observed: 1 variant allele.
Comment: ASH1L: PM2

NM_018489.3(ASH1L):c.5701G>C (p.Val1901Leu)

Gene: ASH1L (ASH1 like histone lysine methyltransferase; minus strand). Cytogenetic location: 1q22.
Variant type: single nucleotide variant.
Coding change: c.5701G>C on transcript NM_018489.3 (MANE Select); coding-DNA position 5701, G replaced by C.
Protein change: p.Val1901Leu; replaces valine 1901 with leucine.
Molecular consequence: missense variant.
Genome position (GRCh38, 1-based): chr1:155,438,454, C>G on the plus strand (G>C on the coding strand, the complement: ASH1L is on the minus strand). VCF-style: chr1-155438454-C-G. GRCh37 (hg19) VCF-style: chr1-155408245-C-G.
Other names: c.5701G>C, p.Val1901Leu (NM_001366177.2); short protein forms V1901L.
Identifiers: ClinVar variation 4823572 (VCV004823572.4).